The following is an entry in ClinVar:

NM_015338.6(ASXL1):c.859C>T (p.Leu287Phe)

Gene: ASXL1 (ASXL transcriptional regulator 1; plus strand). Cytogenetic location: 20q11.21.
Variant type: single nucleotide variant.
Coding change: c.859C>T on transcript NM_015338.6 (MANE Select); coding-DNA position 859, C replaced by T.
Protein change: p.Leu287Phe; replaces leucine 287 with phenylalanine.
Molecular consequence: missense variant.
Genome position (GRCh38, 1-based): chr20:32,431,461, C>T. VCF-style: chr20-32431461-C-T. GRCh37 (hg19) VCF-style: chr20-31019264-C-T.
Other names: c.676C>T, p.Leu226Phe (NM_001363734.1); short protein forms L287F, L226F.
Identifiers: ClinVar variation 3956462 (VCV003956462.1).
Genomic context (GRCh38, chr20:32,431,461, plus strand): 5'-CTGATCAACTCTCGGACCTTCCATGCCTTACCATCACACTTCCAGCAGCAGCTCCTCTTC[C>T]TCCTGCCTGAAGTAGACAGACAGGTGCACATGGGCAGCCTCCCCTTTGCCTCTCTCTGGG-3'
Protein context (NP_056153.2, residues 277-297): PSHFQQQLLF[Leu287Phe]LPEVDRQVGT

ClinVar aggregate classification (germline): Uncertain significance (1 of 4 stars; one submission).

Conditions:
Inborn genetic diseases. Identifiers: MedGen C0950123, MeSH D030342.

gnomAD v4.1: 1 of 1,614,224 alleles (0.000062%); highest among the groups gnomAD compares: Non-Finnish European, 0.000085%; no homozygotes.

Submission:

Ambry Genetics
Classification: Uncertain significance for Inborn genetic diseases. Last evaluated: 2025-04-22. Review status: criteria provided, single submitter. Criteria: Ambry Variant Classification Scheme 2023. Collection method: clinical testing. Allele origin: germline.
Comment: The p.L287F variant (also known as c.859C>T), located in coding exon 9 of the ASXL1 gene, results from a C to T substitution at nucleotide position 859. The leucine at codon 287 is replaced by phenylalanine, an amino acid with highly similar properties. This amino acid position is conserved. In addition, the in silico prediction for this alteration is inconclusive. Based on the available evidence, the clinical significance of this variant remains unclear.